The following is an entry in ClinVar:

NM_020066.5(FMN2):c.1485G>T (p.Arg495=)

Gene: FMN2 (formin 2; plus strand). Cytogenetic location: 1q43.
Variant type: single nucleotide variant.
Coding change: c.1485G>T on transcript NM_020066.5 (MANE Select); coding-DNA position 1485, G replaced by T.
Protein change: p.Arg495=; no amino-acid change (arginine 495 retained).
Molecular consequence: synonymous variant.
Genome position (GRCh38, 1-based): chr1:240,093,594, G>T. VCF-style: chr1-240093594-G-T. GRCh37 (hg19) VCF-style: chr1-240256894-G-T.
Other names: c.1485G>T, p.Arg495= (NM_001305424.2, NM_001348094.2).
Identifiers: ClinVar variation 3025970 (VCV003025970.22), dbSNP rs776241077, ClinGen allele CA1476336.

ClinVar aggregate classification (germline): Likely benign (1 of 4 stars; one submission).

Allele frequency attached by ClinVar (database versions not stated): gnomAD 0.00001; TOPMed 0.00002; ExAC 0.00004.
gnomAD v4.1: 25 of 1,440,612 alleles (0.0017%); highest among the groups gnomAD compares: Non-Finnish European, 0.0023%; no homozygotes.

Submission:

CeGaT Center for Human Genetics Tuebingen
Classification: Likely benign. Last evaluated: 2024-02-01. Review status: criteria provided, single submitter. Criteria: CeGaT Center For Human Genetics Tuebingen Variant Classification Criteria Version 2. Collection method: clinical testing. Allele origin: germline. Affected: yes. Observed: 1 variant allele.
Comment: FMN2: BP4, BP7